The following is an entry in ClinVar:

ClinVar aggregate classification (germline): Pathogenic/Likely pathogenic. Review status: criteria provided, multiple submitters, no conflicts (2 of 4 stars). 2 submissions from 2 submitters: Pathogenic (1); Likely pathogenic (1). Last evaluated 2024-12-26.

Conditions:
Neurodegeneration with brain iron accumulation 5 (NBIA5). Also called: STATIC ENCEPHALOPATHY OF CHILDHOOD WITH NEURODEGENERATION IN ADULTHOOD; Beta-propeller protein-associated neurodegeneration. Identifiers: Orphanet 329284, MedGen C3550973, MONDO:0010476, OMIM 300894.

Submissions (3):

3billion
Classification: Pathogenic for Neurodegeneration with brain iron accumulation 5. Last evaluated: 2024-12-26. Review status: criteria provided, single submitter. Criteria: ACMG Guidelines, 2015. Collection method: clinical testing. Allele origin: germline. Affected: yes.
Comment: The variant is not observed in the gnomAD v4.1.0 dataset. Predicted Consequence/Location: Canonical splice site: predicted to alter splicing and result in a loss or disruption of normal protein function. Multiple pathogenic loss-of-function variants are reported downstream of the variant. In silico tools predict the variant to alter splicing and produce an abnormal transcript [SpliceAI: 0.98 (spliceogenicity >=0.2, non-spliceogenicity <0.1)]. The variant has been reported to be associated with WDR45-related disorder (ClinVar ID: VCV003255609). Therefore, this variant is classified as Pathogenic according to the recommendation of ACMG/AMP guideline.

Breakthrough Genomics
Classification: Likely pathogenic for Neurodegeneration with brain iron accumulation 5. Last evaluated: 2021-03-16. Review status: criteria provided, single submitter. Criteria: ACMG Guidelines, 2015. Collection method: clinical testing. Allele origin: germline. Affected: yes.
Comment: This variant lies in the essential acceptor site, in intron 6 of the WDR45 gene. In silico splice prediction tool (ASSP) suggest that this variant might affect splicing due to the loss of constitutive splice site and introduction of a new splice site, which in turn might lead to a frameshift and consequent premature termination of the protein; this will likely result in loss-of-function (LOF). The variant seems to be a novel variant, as it has not been previously reported in population or public databases or in the literature. A splice variant c.345-1G>A, in the vicinity of identified variant have been reported in BPAN patient and in pediatric patients with early onset developmental delay and epilepsy [PMID: 26022463, 29981852]

Dr. Peter K. Rogan Lab, Western University
No classification provided (evidence only). Condition: Thyroid cancer, nonmedullary, 1. Review status: no classification provided. Collection method: in vitro. Allele origin: not applicable. Functional consequence: retained intron. Not counted in ClinVar's aggregate classification.

NM_001029896.2(WDR45):c.342-2A>G

Gene: WDR45 (WD repeat domain 45; minus strand). Cytogenetic location: Xp11.23.
Variant type: single nucleotide variant.
Coding change: c.342-2A>G on transcript NM_001029896.2 (MANE Select); the canonical splice acceptor site of the intron before coding-DNA position 342, A replaced by G.
Molecular consequence: splice acceptor variant.
Genome position (GRCh38, 1-based): chrX:49,076,526, T>C on the plus strand (A>G on the coding strand, the complement: WDR45 is on the minus strand). VCF-style: chrX-49076526-T-C. GRCh37 (hg19) VCF-style: chrX-48934185-T-C.
Other names: NC_000023.10:g.48934185T>C; c.345-2A>G (NM_007075.4).
Identifiers: ClinVar variation 3255609 (VCV003255609.4).
Genomic context (GRCh38, chrX:49,076,526, plus strand): 5'-TTCGGGGATTGTCGGGGAAGGAGTACACATAGATGCGGTTCTTCAGCACGATCACGATCC[T>C]GTGGGTATCACACAACACAGGATGGCCGTGAGGGGGTGGCGGGATGCCCAGGGAGGACTA-3'